The following is an entry in ClinVar:

NM_001457.4(FLNB):c.2914G>A (p.Gly972Arg)

Gene: FLNB (filamin B; plus strand). Cytogenetic location: 3p14.3.
Variant type: single nucleotide variant.
Coding change: c.2914G>A on transcript NM_001457.4 (MANE Select); coding-DNA position 2914, G replaced by A.
Protein change: p.Gly972Arg; replaces glycine 972 with arginine.
Molecular consequence: missense variant.
Genome position (GRCh38, 1-based): chr3:58,121,291, G>A. VCF-style: chr3-58121291-G-A. GRCh37 (hg19) VCF-style: chr3-58107018-G-A.
Other names: c.2914G>A, p.Gly972Arg (NM_001164317.2, NM_001164318.2, NM_001164319.2); short protein forms G972R.
Identifiers: ClinVar variation 2881377 (VCV002881377.3), dbSNP rs954246154, ClinGen allele CA75445595.
Genomic context (GRCh38, chr3:58,121,291, plus strand): 5'-TCTTTTCCAGGGGTGGAAGTTGGGAAGGATCAGGAGTTCACCGTTGATACCAGGGGGGCA[G>A]GAGGCCAGGGGAAGCTGGACGTGACAATCCTCAGCCCCTCTCGGAAGGTCGTGCCATGCC-3'
Protein context (NP_001448.2, residues 962-982): QEFTVDTRGA[Gly972Arg]GQGKLDVTIL

ClinVar aggregate classification (germline): Uncertain significance (1 of 4 stars; one submission).

Allele frequency attached by ClinVar (database versions not stated): TOPMed below 0.00001; gnomAD exomes below 0.00001.
gnomAD v4.1: 2 of 1,614,194 alleles (0.00012%); highest among the groups gnomAD compares: Non-Finnish European, 0.00017%; no homozygotes.

Submission:

Labcorp Genetics (formerly Invitae), Labcorp
Classification: Uncertain significance. Last evaluated: 2026-01-23. Review status: criteria provided, single submitter. Criteria: Invitae Variant Classification Sherloc (09022015). Collection method: clinical testing. Allele origin: germline.
Comment: This sequence change replaces glycine, which is neutral and non-polar, with arginine, which is basic and polar, at codon 972 of the FLNB protein (p.Gly972Arg). This variant is not present in population databases (gnomAD no frequency). This variant has not been reported in the literature in individuals affected with FLNB-related conditions. ClinVar contains an entry for this variant (Variation ID: 2881377). Invitae Evidence Modeling of protein sequence and biophysical properties (such as structural, functional, and spatial information, amino acid conservation, physicochemical variation, residue mobility, and thermodynamic stability) indicates that this missense variant is not expected to disrupt FLNB protein function with a negative predictive value of 95%. In summary, the available evidence is currently insufficient to determine the role of this variant in disease. Therefore, it has been classified as a Variant of Uncertain Significance.